The following is an entry in ClinVar:

NM_006035.4(CDC42BPB):c.1744G>A (p.Glu582Lys)

Gene: CDC42BPB (CDC42 binding protein kinase beta; minus strand). Cytogenetic location: 14q32.32.
Variant type: single nucleotide variant.
Coding change: c.1744G>A on transcript NM_006035.4 (MANE Select); coding-DNA position 1744, G replaced by A.
Protein change: p.Glu582Lys; replaces glutamic acid 582 with lysine.
Molecular consequence: missense variant.
Genome position (GRCh38, 1-based): chr14:102,972,059, C>T on the plus strand (G>A on the coding strand, the complement: CDC42BPB is on the minus strand). VCF-style: chr14-102972059-C-T. GRCh37 (hg19) VCF-style: chr14-103438396-C-T.
Other names: c.1744G>A, p.Glu582Lys (NM_001411054.1); short protein forms E582K.
Identifiers: ClinVar variation 3362832 (VCV003362832.3).

ClinVar aggregate classification (germline): Uncertain significance (1 of 4 stars; one submission).

Conditions:
Chilton-Okur-Chung neurodevelopmental syndrome (CHOCNS). Identifiers: MedGen C5677022, MONDO:0859239, OMIM 619841.

gnomAD v4.1: 4 of 1,614,260 alleles (0.00025%); highest among the groups gnomAD compares: Non-Finnish European, 0.00034%; no homozygotes.

Submission:

Neuberg Centre For Genomic Medicine, NCGM
Classification: Uncertain significance for Chilton-Okur-Chung neurodevelopmental syndrome. Review status: criteria provided, single submitter. Criteria: ACMG Guidelines, 2015. Collection method: clinical testing. Allele origin: germline. Inheritance: Autosomal dominant inheritance. Affected: yes.
Comment: The observed missense variant c.1744G>A(p.Glu582Lys) in the CDC42BPB gene has not been reported previously as a pathogenic variant nor as a benign variant, to our knowledge. This variant is reported with the allele frequency 0.0004% in the gnomAD Exomes. The amino acid Glutamic acid at position 582 is changed to a Lysine changing protein sequence and it might alter its composition and physico-chemical properties. Multiple lines of computational evidence (Polyphen - Possibly Damaging, SIFT - Damaging and MutationTaster - Disease causing) predict a damaging effect on protein structure and function for this variant. The residue is conserved by GERP++ and PhyloP across 100 vertebrates. For these reasons, this variant has been classified as Uncertain Significance.